The following is an entry in ClinVar:

ClinVar aggregate classification (germline): Uncertain significance (1 of 4 stars; one submission).

Conditions:
Hereditary cancer-predisposing syndrome. Also called: Tumor predisposition; Hereditary Cancer Syndrome; Neoplastic Syndromes, Hereditary; Hereditary neoplastic syndrome. Identifiers: Orphanet 140162, MedGen C0027672, MeSH D009386, MONDO:0015356.

Allele frequency attached by ClinVar (database versions not stated): gnomAD exomes below 0.00001.
gnomAD v4.1: 3 of 1,614,068 alleles (0.00019%); highest among the groups gnomAD compares: African/African-American, 0.0013%; no homozygotes.

Submission:

Ambry Genetics
Classification: Uncertain significance for Hereditary cancer-predisposing syndrome. Last evaluated: 2024-10-11. Review status: criteria provided, single submitter. Criteria: Ambry Variant Classification Scheme 2023. Collection method: clinical testing. Allele origin: germline.
Comment: The p.H928R variant (also known as c.2783A>G), located in coding exon 18 of the BRIP1 gene, results from an A to G substitution at nucleotide position 2783. The histidine at codon 928 is replaced by arginine, an amino acid with highly similar properties. This amino acid position is not well conserved in available vertebrate species. In addition, this alteration is predicted to be tolerated by in silico analysis. Since supporting evidence is limited at this time, the clinical significance of this alteration remains unclear.

NM_032043.3(BRIP1):c.2783A>G (p.His928Arg)

Gene: BRIP1 (BRCA1 interacting DNA helicase 1; minus strand). Cytogenetic location: 17q23.2.
Variant type: single nucleotide variant.
Coding change: c.2783A>G on transcript NM_032043.3 (MANE Select); coding-DNA position 2783, A replaced by G.
Protein change: p.His928Arg; replaces histidine 928 with arginine.
Molecular consequence: missense variant.
Genome position (GRCh38, 1-based): chr17:61,685,958, T>C on the plus strand (A>G on the coding strand, the complement: BRIP1 is on the minus strand). VCF-style: chr17-61685958-T-C. GRCh37 (hg19) VCF-style: chr17-59763319-T-C.
Other names: short protein forms H928R.
Identifiers: ClinVar variation 1795959 (VCV001795959.3), dbSNP rs2144111495, ClinGen allele CA400481540.